The following is an entry in ClinVar:

NM_032444.4(SLX4):c.169A>G (p.Ser57Gly)

Gene: SLX4 (SLX4 structure-specific endonuclease subunit; minus strand). Cytogenetic location: 16p13.3.
Variant type: single nucleotide variant.
Coding change: c.169A>G on transcript NM_032444.4 (MANE Select); coding-DNA position 169, A replaced by G.
Protein change: p.Ser57Gly; replaces serine 57 with glycine.
Molecular consequence: missense variant.
Genome position (GRCh38, 1-based): chr16:3,608,796, T>C on the plus strand (A>G on the coding strand, the complement: SLX4 is on the minus strand). VCF-style: chr16-3608796-T-C. GRCh37 (hg19) VCF-style: chr16-3658797-T-C.
Other names: short protein forms S57G.
Identifiers: ClinVar variation 3603947 (VCV003603947.2).

ClinVar aggregate classification (germline): Uncertain significance (1 of 4 stars; one submission).

Conditions:
Fanconi anemia (FA). Also called: Fanconi's anemia. Identifiers: Orphanet 84, MedGen C0015625, MeSH D005199, MONDO:0019391.

Submission:

Labcorp Genetics (formerly Invitae), Labcorp
Classification: Uncertain significance for Fanconi anemia. Last evaluated: 2024-07-01. Review status: criteria provided, single submitter. Criteria: Invitae Variant Classification Sherloc (09022015). Collection method: clinical testing. Allele origin: germline.
Comment: This sequence change replaces serine, which is neutral and polar, with glycine, which is neutral and non-polar, at codon 57 of the SLX4 protein (p.Ser57Gly). This variant is not present in population databases (gnomAD no frequency). This variant has not been reported in the literature in individuals affected with SLX4-related conditions. An algorithm developed to predict the effect of missense changes on protein structure and function (PolyPhen-2) suggests that this variant is likely to be tolerated. In summary, the available evidence is currently insufficient to determine the role of this variant in disease. Therefore, it has been classified as a Variant of Uncertain Significance.